The following is an entry in ClinVar:

NM_001005273.3(CHD3):c.1573C>T (p.Pro525Ser)

Gene: CHD3 (chromodomain helicase DNA binding protein 3; plus strand). Cytogenetic location: 17p13.1.
Variant type: single nucleotide variant.
Coding change: c.1573C>T on transcript NM_001005273.3 (MANE Select); coding-DNA position 1573, C replaced by T.
Protein change: p.Pro525Ser; replaces proline 525 with serine.
Molecular consequence: missense variant.
Genome position (GRCh38, 1-based): chr17:7,895,408, C>T. VCF-style: chr17-7895408-C-T. GRCh37 (hg19) VCF-style: chr17-7798726-C-T.
Other names: c.1750C>T, p.Pro584Ser (NM_001005271.3, NM_001437504.1); c.1738C>T, p.Pro580Ser (NM_001437507.1, NM_001437508.1, NM_001437509.1); c.1573C>T, p.Pro525Ser (NM_005852.4); short protein forms P525S, P584S, P580S.
Identifiers: ClinVar variation 4614569 (VCV004614569.1).

ClinVar aggregate classification (germline): Uncertain significance (1 of 4 stars; one submission).

Conditions:
Inborn genetic diseases. Identifiers: MedGen C0950123, MeSH D030342.

Submission:

Ambry Genetics
Classification: Uncertain significance for Inborn genetic diseases. Last evaluated: 2025-11-26. Review status: criteria provided, single submitter. Criteria: Ambry Variant Classification Scheme 2023. Collection method: clinical testing. Allele origin: germline.
Comment: The c.1750C>T (p.P584S) alteration is located in exon 10 (coding exon 10) of the CHD3 gene. This alteration results from a C to T substitution at nucleotide position 1750, causing the proline (P) at amino acid position 584 to be replaced by a serine (S). Based on data from gnomAD, the T allele has an overall frequency of <0.001% (1/251422) total alleles studied. The highest observed frequency was 0.005% (1/18394) of East Asian alleles. Based on insufficient or conflicting evidence, the clinical significance of this alteration remains unclear.